The following is an entry in ClinVar:

NM_001252024.2(TRPM1):c.279+177T>G

Gene: TRPM1 (transient receptor potential cation channel subfamily M member 1; minus strand). Cytogenetic location: 15q13.3.
Variant type: single nucleotide variant.
Coding change: c.279+177T>G on transcript NM_001252024.2 (MANE Select); 177 bases into the intron after coding-DNA position 279, T replaced by G.
Molecular consequence: intron variant. On other transcripts: synonymous variant (1).
Genome position (GRCh38, 1-based): chr15:31,069,854, A>C on the plus strand (T>G on the coding strand, the complement: TRPM1 is on the minus strand). VCF-style: chr15-31069854-A-C. GRCh37 (hg19) VCF-style: chr15-31362057-A-C.
Other names: c.390T>G, p.Leu130= (NM_001252030.2); c.330+177T>G (NM_001252020.2); c.213+177T>G (NM_002420.6).
Identifiers: ClinVar variation 3349997 (VCV003349997.1).
Genomic context (GRCh38, chr15:31,069,854, plus strand): 5'-CAGAGCTTTGGTATGGATTTACGGGACACTAGATGTTCTTTACAGTGGTGTCCAGTTTCC[A>C]AGCCTCATGGCTAAAAGCCATGTGCACAGATATATCTCTTGGTTTTTCAATGAAATATCT-3'

ClinVar aggregate classification (germline): Likely benign (0 of 4 stars; one submission).

Conditions:
TRPM1-related disorder. Also called: TRPM1-related condition.

Submission:

PreventionGenetics, part of Exact Sciences
Classification: Likely benign for TRPM1-related condition. Last evaluated: 2024-03-26. Review status: no assertion criteria provided. Collection method: clinical testing. Allele origin: germline.
Comment: This variant is classified as likely benign based on ACMG/AMP sequence variant interpretation guidelines (Richards et al. 2015 PMID: 25741868, with internal and published modifications).